The following is an entry in ClinVar:

NM_000368.5(TSC1):c.24G>T (p.Gly8=)

Gene: TSC1 (TSC complex subunit 1; minus strand). Cytogenetic location: 9q34.13.
Variant type: single nucleotide variant.
Coding change: c.24G>T on transcript NM_000368.5 (MANE Select); coding-DNA position 24, G replaced by T.
Protein change: p.Gly8=; no amino-acid change (glycine 8 retained).
Molecular consequence: synonymous variant. On other transcripts: 5 prime UTR variant (1).
Genome position (GRCh38, 1-based): chr9:132,928,849, C>A on the plus strand (G>T on the coding strand, the complement: TSC1 is on the minus strand). VCF-style: chr9-132928849-C-A. GRCh37 (hg19) VCF-style: chr9-135804236-C-A.
Other names: c.24G>T, p.Gly8= (NM_001162426.2, NM_001162427.2); c.-236G>T (NM_001362177.2).
Identifiers: ClinVar variation 1419728 (VCV001419728.6), dbSNP rs2132296659, ClinGen allele CA467594369.
Genomic context (GRCh38, chr9:132,928,849, plus strand): 5'-GACAGCTGTCACGTCGTCCCGCACACCCAGCATGGGGGAGTCCAGCATGGCAAGAAGCTC[C>A]CCGACATTTGCTTGTTGGGCCATTCTCTCGCTCGAAGGCGCTGTGCTGGCTCCAGGACGT-3'
Protein context (NP_000359.1, residues 1-18): MAQQANV[Gly8=]ELLAMLDSPM

ClinVar aggregate classification (germline): Uncertain significance (1 of 4 stars; one submission).

Conditions:
Tuberous sclerosis 1 (TSC1). Identifiers: Orphanet 805, MedGen C1854465, MONDO:0008612, OMIM 191100.

Submission:

Labcorp Genetics (formerly Invitae), Labcorp
Classification: Uncertain significance for Tuberous sclerosis 1. Last evaluated: 2021-10-08. Review status: criteria provided, single submitter. Criteria: Invitae Variant Classification Sherloc (09022015). Collection method: clinical testing. Allele origin: germline.
Comment: Algorithms developed to predict the effect of sequence changes on RNA splicing suggest that this variant may create or strengthen a splice site. In summary, the available evidence is currently insufficient to determine the role of this variant in disease. Therefore, it has been classified as a Variant of Uncertain Significance. This variant has not been reported in the literature in individuals affected with TSC1-related conditions. This variant is not present in population databases (ExAC no frequency). This sequence change affects codon 8 of the TSC1 mRNA. It is a 'silent' change, meaning that it does not change the encoded amino acid sequence of the TSC1 protein.